The following is an entry in ClinVar:

NM_006767.4(LZTR1):c.2327T>A (p.Ile776Asn)

Gene: LZTR1 (leucine zipper like post translational regulator 1; plus strand). Cytogenetic location: 22q11.21.
Variant type: single nucleotide variant.
Coding change: c.2327T>A on transcript NM_006767.4 (MANE Select); coding-DNA position 2327, T replaced by A.
Protein change: p.Ile776Asn; replaces isoleucine 776 with asparagine.
Molecular consequence: missense variant.
Genome position (GRCh38, 1-based): chr22:20,996,887, T>A. VCF-style: chr22-20996887-T-A. GRCh37 (hg19) VCF-style: chr22-21351176-T-A.
Other names: short protein forms I776N.
Identifiers: ClinVar variation 3990955 (VCV003990955.1).

ClinVar aggregate classification (germline): Uncertain significance (1 of 4 stars; one submission).

Conditions:
Cardiovascular phenotype. Identifiers: MedGen CN230736.
Hereditary cancer-predisposing syndrome. Also called: Tumor predisposition; Hereditary neoplastic syndrome; Neoplastic Syndromes, Hereditary; Hereditary Cancer Syndrome. Identifiers: Orphanet 140162, MedGen C0027672, MeSH D009386, MONDO:0015356.

gnomAD v4.1: 1 of 1,612,186 alleles (0.000062%); no homozygotes.

Submission:

Ambry Genetics
Classification: Uncertain significance for Cardiovascular phenotype; Hereditary cancer-predisposing syndrome. Last evaluated: 2025-04-09. Review status: criteria provided, single submitter. Criteria: Ambry Variant Classification Scheme 2023. Collection method: clinical testing. Allele origin: germline.
Comment: The p.I776N variant (also known as c.2327T>A), located in coding exon 20 of the LZTR1 gene, results from a T to A substitution at nucleotide position 2327. The isoleucine at codon 776 is replaced by asparagine, an amino acid with dissimilar properties. This amino acid position is conserved. In addition, the in silico prediction for this alteration is inconclusive. Based on the available evidence, the clinical significance of this variant remains unclear.